The following is an entry in ClinVar:

NM_000182.5(HADHA):c.1540del (p.Thr514fs)

Genes: GAREM2 (GRB2 associated regulator of MAPK1 subtype 2; plus strand), HADHA (hydroxyacyl-CoA dehydrogenase trifunctional multienzyme complex subunit alpha; minus strand). Cytogenetic location: 2p23.3.
Variant type: Deletion.
Coding change: c.1540del on transcript NM_000182.5 (MANE Select); coding-DNA position 1540, one base deleted (A; older notation c.1540delA).
Protein change: p.Thr514fs; shifts the reading frame from threonine 514.
Molecular consequence: frameshift variant.
Genome position (GRCh38, 1-based): chr2:26,195,172, T deleted on the plus strand (A on the coding strand, the reverse complement: HADHA is on the minus strand). VCF-style (leftmost placement, unchanged base first): chr2-26195171-GT-G. GRCh37 (hg19) VCF-style: chr2-26418040-GT-G.
Other names: short protein forms T514fs.
Identifiers: ClinVar variation 1459829 (VCV001459829.6), dbSNP rs1478391725, ClinGen allele CA767265722.

ClinVar aggregate classification (germline): Pathogenic (1 of 4 stars; one submission).

Conditions:
Mitochondrial trifunctional protein deficiency. Identifiers: Orphanet 746, MedGen C1969443, MONDO:0012172.
Long chain 3-hydroxyacyl-CoA dehydrogenase deficiency. Also called: Deficiency of long-chain 3-hydroxyacyl-coenzyme A dehydrogenase; LCHAD Deficiency. Identifiers: Orphanet 5, MedGen C3711645, MONDO:0012173, OMIM 609016.

Allele frequency attached by ClinVar (database versions not stated): TOPMed 0.00001.

Submission:

Labcorp Genetics (formerly Invitae), Labcorp
Classification: Pathogenic for Mitochondrial trifunctional protein deficiency; Long chain 3-hydroxyacyl-CoA dehydrogenase deficiency. Last evaluated: 2023-10-23. Review status: criteria provided, single submitter. Criteria: Invitae Variant Classification Sherloc (09022015). Collection method: clinical testing. Allele origin: germline.
Comment: This sequence change creates a premature translational stop signal (p.Thr514Profs*13) in the HADHA gene. It is expected to result in an absent or disrupted protein product. Loss-of-function variants in HADHA are known to be pathogenic (PMID: 7738175, 21103935, 21549624, 22459206). This variant is not present in population databases (gnomAD no frequency). This variant has not been reported in the literature in individuals affected with HADHA-related conditions. ClinVar contains an entry for this variant (Variation ID: 1459829). For these reasons, this variant has been classified as Pathogenic.

Literature cited by the submitters: PubMed 7738175; PubMed 21103935; PubMed 21549624; PubMed 22459206.